The following is an entry in ClinVar:

ClinVar aggregate classification (germline): Uncertain significance (1 of 4 stars; one submission).

Allele frequency attached by ClinVar (database versions not stated): gnomAD 0.00002; TOPMed 0.00002; ExAC 0.00002.

Submission:

Labcorp Genetics (formerly Invitae), Labcorp
Classification: Uncertain significance. Last evaluated: 2025-09-05. Review status: criteria provided, single submitter. Criteria: Invitae Variant Classification Sherloc (09022015). Collection method: clinical testing. Allele origin: germline.
Comment: This sequence change falls in intron 1 of the PFN1 gene. It does not directly change the encoded amino acid sequence of the PFN1 protein. It affects a nucleotide within the consensus splice site. This variant is present in population databases (rs755758083, gnomAD 0.02%). This variant has not been reported in the literature in individuals affected with PFN1-related conditions. ClinVar contains an entry for this variant (Variation ID: 3015416). Variants that disrupt the consensus splice site are a relatively common cause of aberrant splicing (PMID: 17576681, 9536098). Algorithms developed to predict the effect of sequence changes on RNA splicing suggest that this variant is not likely to affect RNA splicing. In summary, the available evidence is currently insufficient to determine the role of this variant in disease. Therefore, it has been classified as a Variant of Uncertain Significance.

Literature cited by the submitters: PubMed 17576681; PubMed 9536098.

NM_005022.4(PFN1):c.132+4C>T

Gene: PFN1 (profilin 1; minus strand). Cytogenetic location: 17p13.2.
Variant type: single nucleotide variant.
Coding change: c.132+4C>T on transcript NM_005022.4 (MANE Select); 4 bases into the intron after coding-DNA position 132, C replaced by T.
Molecular consequence: intron variant.
Genome position (GRCh38, 1-based): chr17:4,948,259, G>A on the plus strand (C>T on the coding strand, the complement: PFN1 is on the minus strand). VCF-style: chr17-4948259-G-A. GRCh37 (hg19) VCF-style: chr17-4851554-G-A.
Other names: c.132+4C>T (NM_001375991.1).
Identifiers: ClinVar variation 3015416 (VCV003015416.3), dbSNP rs755758083, ClinGen allele CA8315973.
Genomic context (GRCh38, chr17:4,948,259, plus strand): 5'-CCCAAGTCCCTCCCTCAGGGTCCAAACCGGAGCAGTGCCCCGGACCGCGCAGGCCTCGCA[G>A]TACCGTGATGTTGACGAACGTTTTCCCGGGGACGGCGGCCCAGACGGAGGGCGAGTCCTT-3'